The following is an entry in ClinVar:

ClinVar aggregate classification (germline): Pathogenic/Likely pathogenic. Review status: criteria provided, multiple submitters, no conflicts (2 of 4 stars). 11 submissions from 11 submitters: Pathogenic (6); Likely pathogenic (5). Last evaluated 2026-03-24.

Conditions:
CFTR-related disorder (CFTR-RD). Also called: CFTR-related condition; CFTR-related disorders. Identifiers: MedGen C5924204, MONDO:7770004.
Bronchiectasis with or without elevated sweat chloride 1 (BESC1). Also called: Cystic Fibrosis-Like Syndrome. Identifiers: Orphanet 60033, MedGen C2749757, MONDO:0008887, OMIM 211400.
Congenital bilateral aplasia of vas deferens from CFTR mutation (CBAVD). Identifiers: Orphanet 48, MedGen C0403814, MONDO:0010178, OMIM 277180. Disease mechanism: loss of function.
Cystic fibrosis (CF). Also called: MUCOVISCIDOSIS. Identifiers: Orphanet 586, MedGen C0010674, MONDO:0009061, OMIM 219700. Disease mechanism: loss of function.
Hereditary pancreatitis (PCTT). Also called: PRSS1-Related Hereditary Pancreatitis; Hereditary chronic pancreatitis. Identifiers: Orphanet 676, MedGen C0238339, MONDO:0008185, OMIM 167800.

Allele frequency attached by ClinVar (database versions not stated): gnomAD 0.00002; TOPMed 0.00003.

Submissions (11):

Dasa
Classification: Likely pathogenic. Last evaluated: 2026-03-24. Review status: criteria provided, single submitter. Criteria: DASA Assertion Criteria. Collection method: clinical testing. Allele origin: germline.
Comment: NM_000492.4(CFTR):c.1766G>A (p.Ser589Asn) is a missense variant that results in the substitution of serine with asparagine. The affected residue or protein region has prior evidence supporting clinical relevance. This variant has been recurrently observed in individuals with CFTR-related disorders (PMID: 28771972; PMID: 36102402; PMID: 33613790). Also, this variant is rare in population databases. Computational evidence supports a deleterious effect. Based on the currently available evidence, this variant is classified as likely pathogenic.

Natera, Inc.
Classification: Pathogenic for CFTR-related disorders. Last evaluated: 2025-09-12. Review status: criteria provided, single submitter. Criteria: Natera Variant Classification Schema (03/2026). Collection method: clinical testing. Allele origin: germline.
Comment: The c.1766G>A variant in CFTR is a missense variant predicted to cause substitution of serine to asparagine at amino acid 589. This variant is rare in the general population with a frequency below the threshold expected for the associated phenotype(s). This variant has been observed in one or more individuals affected with the associated recessive disease, as either homozygous or compound heterozygous with a second variant (PMID: 16379540, 36369753, 30711384, 28771972). Functional studies show that this variant may disrupt protein function (PMID: 38388235). A different variant at the same position has been determined to be Pathogenic or Likely Pathogenic. Computational prediction algorithms indicate this variant is likely to affect gene or protein function. Given the available evidence, this variant is classified as Pathogenic.

GeneDx
Classification: Pathogenic. Last evaluated: 2024-10-28. Review status: criteria provided, single submitter. Criteria: GeneDx Variant Classification Process June 2021. Collection method: clinical testing. Allele origin: germline. Affected: yes.
Comment: RNA studies demonstrate that this variant results in abnormal splicing (PMID: 22362925); Not observed at significant frequency in large population cohorts (gnomAD); In silico analysis supports a deleterious effect on splicing; In silico analysis indicates that this missense variant does not alter protein structure/function; This variant is associated with the following publications: (PMID: 33613790, 30711384, 16379540, 36369753, 17062471, 28771972, 31665830, 35451201, 16784904, 12939655, 36102402, 22362925)

Quest Diagnostics Nichols Institute San Juan Capistrano
Classification: Likely pathogenic. Last evaluated: 2024-06-26. Review status: criteria provided, single submitter. Criteria: Quest Diagnostics criteria. Collection method: clinical testing. Allele origin: unknown.
Comment: The CFTR c.1766G>A (p.Ser589Asn) variant has been reported in the published literature in individuals affected with cystic fibrosis (CF) in a homozygous (PMID: 16379540 (2005)) and compound heterozygous state (PMID: 28771972 (2017), 36102402 (2022), 36369753 (2022)). Results from a minigene assay suggest this variant leads to exclusion of exon 12, however more evidence is needed to conclude this variant is damaging to protein function (PMID: 22362925 (2012)). The frequency of this variant in the general population, 0.000072 (3/41426 chromosomes (Genome Aggregation Database)), is uninformative in the assessment of its pathogenicity. Analysis of this variant using software algorithms for the prediction of the effect of nucleotide changes on splicing yielded predictions that this variant may affect proper CFTR mRNA splicing. Based on the available information, this variant is classified as likely pathogenic.

Fulgent Genetics
Classification: Likely pathogenic for Hereditary pancreatitis; Bronchiectasis with or without elevated sweat chloride 1; Cystic fibrosis; Congenital bilateral aplasia of vas deferens from CFTR mutation. Last evaluated: 2024-06-06. Review status: criteria provided, single submitter. Criteria: ACMG Guidelines, 2015. Collection method: clinical testing. Allele origin: germline.

Labcorp Genetics (formerly Invitae), Labcorp
Classification: Pathogenic for Cystic fibrosis. Last evaluated: 2023-10-03. Review status: criteria provided, single submitter. Criteria: Invitae Variant Classification Sherloc (09022015). Collection method: clinical testing. Allele origin: germline.
Comment: This sequence change replaces serine, which is neutral and polar, with asparagine, which is neutral and polar, at codon 589 of the CFTR protein (p.Ser589Asn). RNA analysis indicates that this missense change induces altered splicing and likely results in a shortened protein product. This variant is not present in population databases (gnomAD no frequency). This missense change has been observed in individuals with cystic fibrosis (PMID: 16379540, 30711384; Invitae). This variant is also known as G1898A. ClinVar contains an entry for this variant (Variation ID: 53382). Algorithms developed to predict the effect of missense changes on protein structure and function output the following: SIFT: "Not Available"; PolyPhen-2: "Benign"; Align-GVGD: "Not Available". The asparagine amino acid residue is found in multiple mammalian species, which suggests that this missense change does not adversely affect protein function. Variants that disrupt the consensus splice site are a relatively common cause of aberrant splicing (PMID: 17576681, 9536098). Studies have shown that this missense change results in skipping of exon 12, but is expected to preserve the integrity of the reading-frame (PMID: 22362925). For these reasons, this variant has been classified as Pathogenic.

Women's Health and Genetics/Laboratory Corporation of America, LabCorp
Classification: Pathogenic for Cystic fibrosis. Last evaluated: 2023-04-20. Review status: criteria provided, single submitter. Criteria: LabCorp Variant Classification Summary - May 2015. Collection method: clinical testing. Allele origin: germline.
Comment: Variant summary: CFTR c.1766G>A (p.Ser589Asn) results in a conservative amino acid change located in the ABC transporter-like, ATP-binding domain (IPR003439) of the encoded protein sequence. Four of five in-silico tools predict a benign effect of the variant on protein function. As the variant alters the last conserved nucleotide of exon 13 adjacent to the canonical splice donor site, several computational tools predict a significant impact on normal splicing: Three predict the variant weakens the canonical 5' splicing donor site. At least one publication reports experimental evidence that this variant affects mRNA splicing by severely reducing exon inclusion (FernandezAlanis_2012). The variant was absent in 249234 control chromosomes. c.1766G>A has been reported in the literature as a homozygous or compound heterozygous genotype in multiple individuals affected with Cystic Fibrosis (example, Stanziale_2005, Merelle_2006, Nunes_2017, Miller_2019). These data indicate that the variant is very likely to be associated with disease. Five clinical diagnostic laboratories have submitted clinical-significance assessments for this variant to ClinVar after 2014 without evidence for independent evaluation (P/LP, n=4; VUS, n=1). Based on the evidence outlined above, the variant was classified as pathogenic.

Baylor Genetics
Classification: Likely pathogenic for Bronchiectasis with or without elevated sweat chloride 1. Last evaluated: 2023-02-11. Review status: criteria provided, single submitter. Criteria: ACMG Guidelines, 2015. Collection method: clinical testing. Allele origin: unknown.

Genome-Nilou Lab
Classification: Likely pathogenic for Cystic fibrosis. Last evaluated: 2021-07-22. Review status: criteria provided, single submitter. Criteria: ACMG Guidelines, 2015. Collection method: clinical testing. Allele origin: germline. Affected: no.

Ambry Genetics
Classification: Pathogenic for Cystic fibrosis. Last evaluated: 2020-11-25. Review status: criteria provided, single submitter. Criteria: Ambry Variant Classification Scheme 2023. Collection method: clinical testing. Allele origin: germline.
Comment: The c.1766G>A pathogenic mutation (also known as p.S589N), located in coding exon 13 of the CFTR gene, results from a G to A substitution at nucleotide position 1766. The serine at codon 589 is replaced by asparagine, an amino acid with highly similar properties. However, this change occurs in the last base pair of coding exon 13, which makes it likely to have some effect on normal mRNA splicing. This mutation was detected in the homozygous state in a patient with pulmonary and gastrointestinal symptoms of cystic fibrosis (CF); both parents were confirmed heterozygous for the mutation (Stanziale et al. Genet Test. 2005;9:28). This variant has also been detected in additional individuals reported to have CF or related features who had a second mutation detected; however, in some cases, clinical detail was limited including phase determination (M&eacute;relle ME et al. Acta Paediatr, 2006 Nov;95:1424-8; Nunes LM et al. Pediatr Pulmonol, 2017 10;52:1300-1305; M&oslash;ller SA et al. J Cyst Fibros, 2019 09;18:657-66). This variant was not reported in population-based cohorts in the Genome Aggregation Database (gnomAD). This nucleotide position is well conserved in available vertebrate species. In silico splice site analysis predicts that this alteration will weaken the native splice donor site. In a minigene assay, this variant was indicated to result in exon skipping (Fernandez Alanis E et al. Hum Mol Genet, 2012 Jun;21:2389-98). Based on the supporting evidence, this alteration is interpreted as a disease-causing mutation.

Mendelics
Classification: Pathogenic for Cystic fibrosis. Last evaluated: 2018-11-05. Review status: criteria provided, single submitter. Criteria: Mendelics Assertion Criteria 2017. Collection method: clinical testing. Allele origin: unknown. Affected: yes.

Literature cited by the submitters: PubMed 28771972 (cited by 5 submitters); PubMed 36102402 (cited by Dasa and Quest Diagnostics Nichols Institute San Juan Capistrano); PubMed 33613790 (cited by Dasa); PubMed 16379540 (cited by 4 submitters); PubMed 36369753 (cited by Natera, Inc. and Quest Diagnostics Nichols Institute San Juan Capistrano); PubMed 30711384 (cited by 4 submitters); PubMed 38388235 (cited by Natera, Inc.); PubMed 22362925 (cited by 4 submitters); PubMed 12939655 (cited by Quest Diagnostics Nichols Institute San Juan Capistrano); PubMed 17062471 (cited by 3 submitters); PubMed 31665830 (cited by Quest Diagnostics Nichols Institute San Juan Capistrano and Ambry Genetics); PubMed 17576681 (cited by Labcorp Genetics (formerly Invitae), Labcorp); PubMed 9536098 (cited by Labcorp Genetics (formerly Invitae), Labcorp); PubMed 16784904 (cited by Women's Health and Genetics/Laboratory Corporation of America, LabCorp).

NM_000492.4(CFTR):c.1766G>A (p.Ser589Asn)

Gene: CFTR (CF transmembrane conductance regulator; plus strand). Cytogenetic location: 7q31.2.
Variant type: single nucleotide variant.
Coding change: c.1766G>A on transcript NM_000492.4 (MANE Select); coding-DNA position 1766, G replaced by A.
Protein change: p.Ser589Asn; replaces serine 589 with asparagine.
Molecular consequence: missense variant.
Genome position (GRCh38, 1-based): chr7:117,590,439, G>A. VCF-style: chr7-117590439-G-A. GRCh37 (hg19) VCF-style: chr7-117230493-G-A.
Other names: short protein forms S589N.
Identifiers: ClinVar variation 53382 (VCV000053382.25), dbSNP rs397508300, ClinGen allele CA326665.